The following is an entry in ClinVar:

ClinVar aggregate classification (germline): Uncertain significance (1 of 4 stars; one submission).

Submission:

Labcorp Genetics (formerly Invitae), Labcorp
Classification: Uncertain significance. Last evaluated: 2025-08-03. Review status: criteria provided, single submitter. Criteria: Invitae Variant Classification Sherloc (09022015). Collection method: clinical testing. Allele origin: germline.
Comment: This sequence change replaces asparagine, which is neutral and polar, with isoleucine, which is neutral and non-polar, at codon 1126 of the A2ML1 protein (p.Asn1126Ile). This variant is not present in population databases (gnomAD no frequency). This variant has not been reported in the literature in individuals affected with A2ML1-related conditions. An algorithm developed to predict the effect of missense changes on protein structure and function (PolyPhen-2) suggests that this variant is likely to be tolerated. In summary, the available evidence is currently insufficient to determine the role of this variant in disease. Therefore, it has been classified as a Variant of Uncertain Significance.

NM_144670.6(A2ML1):c.3377A>T (p.Asn1126Ile)

Gene: A2ML1 (alpha-2-macroglobulin like 1; plus strand). Cytogenetic location: 12p13.31.
Variant type: single nucleotide variant.
Coding change: c.3377A>T on transcript NM_144670.6 (MANE Select); coding-DNA position 3377, A replaced by T.
Protein change: p.Asn1126Ile; replaces asparagine 1126 with isoleucine.
Molecular consequence: missense variant.
Genome position (GRCh38, 1-based): chr12:8,861,172, A>T. VCF-style: chr12-8861172-A-T. GRCh37 (hg19) VCF-style: chr12-9013768-A-T.
Other names: c.1904A>T, p.Asn635Ile (NM_001282424.3); short protein forms N635I, N1126I.
Identifiers: ClinVar variation 4752350 (VCV004752350.1).